The following is an entry in ClinVar:

NM_000186.4(CFH):c.125A>T (p.Tyr42Phe)

Gene: CFH (complement factor H; plus strand). Cytogenetic location: 1q31.3.
Variant type: single nucleotide variant.
Coding change: c.125A>T on transcript NM_000186.4 (MANE Select); coding-DNA position 125, A replaced by T.
Protein change: p.Tyr42Phe; replaces tyrosine 42 with phenylalanine.
Molecular consequence: missense variant.
Genome position (GRCh38, 1-based): chr1:196,673,044, A>T. VCF-style: chr1-196673044-A-T. GRCh37 (hg19) VCF-style: chr1-196642174-A-T.
Other names: c.125A>T, p.Tyr42Phe (NM_001014975.3); short protein forms Y42F.
Identifiers: ClinVar variation 2184867 (VCV002184867.18), dbSNP rs182750499, ClinGen allele CA1304951.
Genomic context (GRCh38, chr1:196,673,044, plus strand): 5'-ATGAACTTCCTCCAAGAAGAAATACAGAAATTCTGACAGGTTCCTGGTCTGACCAAACAT[A>T]TCCAGAAGGCACCCAGGCTATCTATAAATGCCGCCCTGGATATAGATCTCTTGGAAATGT-3'
Protein context (NP_000177.2, residues 32-52): ILTGSWSDQT[Tyr42Phe]PEGTQAIYKC

ClinVar aggregate classification (germline): Uncertain significance. Review status: criteria provided, multiple submitters, no conflicts (2 of 4 stars). 3 submissions from 3 submitters: Uncertain significance (3). Last evaluated 2025-11-02.

Conditions:
Inborn genetic diseases. Identifiers: MedGen C0950123, MeSH D030342.

Allele frequency attached by ClinVar (database versions not stated): gnomAD exomes below 0.00001; ExAC 0.00002; gnomAD 0.00003; TOPMed 0.00006; 1000 Genomes Project 0.00020; 1000 Genomes Project 30x 0.00031.
gnomAD v4.1: 11 of 1,614,138 alleles (0.00068%); highest among the groups gnomAD compares: African/African-American, 0.015%; no homozygotes.

Submissions (3):

Ambry Genetics
Classification: Uncertain significance for Inborn genetic diseases. Last evaluated: 2025-11-02. Review status: criteria provided, single submitter. Criteria: Ambry Variant Classification Scheme 2023. Collection method: clinical testing. Allele origin: germline.

Labcorp Genetics (formerly Invitae), Labcorp
Classification: Uncertain significance. Last evaluated: 2025-04-09. Review status: criteria provided, single submitter. Criteria: Invitae Variant Classification Sherloc (09022015). Collection method: clinical testing. Allele origin: germline.
Comment: This sequence change replaces tyrosine, which is neutral and polar, with phenylalanine, which is neutral and non-polar, at codon 42 of the CFH protein (p.Tyr42Phe). The frequency data for this variant in the population databases is considered unreliable, as metrics indicate poor data quality at this position in the gnomAD database. This variant has not been reported in the literature in individuals affected with CFH-related conditions. ClinVar contains an entry for this variant (Variation ID: 2184867). An algorithm developed to predict the effect of missense changes on protein structure and function (PolyPhen-2) suggests that this variant is likely to be disruptive. In summary, the available evidence is currently insufficient to determine the role of this variant in disease. Therefore, it has been classified as a Variant of Uncertain Significance.

CeGaT Center for Human Genetics Tuebingen
Classification: Uncertain significance. Last evaluated: 2024-10-01. Review status: criteria provided, single submitter. Criteria: CeGaT Center For Human Genetics Tuebingen Variant Classification Criteria Version 2. Collection method: clinical testing. Allele origin: germline. Affected: yes. Observed: 1 variant allele.
Comment: CFH: PM2:Supporting, BP4